The following is an entry in ClinVar:

NM_005732.4(RAD50):c.2014C>T (p.Gln672Ter)

Gene: RAD50 (RAD50 double strand break repair protein; plus strand). Cytogenetic location: 5q31.1.
Variant type: single nucleotide variant.
Coding change: c.2014C>T on transcript NM_005732.4 (MANE Select); coding-DNA position 2014, C replaced by T.
Protein change: p.Gln672Ter; replaces glutamine 672 with a stop codon.
Molecular consequence: nonsense.
Genome position (GRCh38, 1-based): chr5:132,595,617, C>T. VCF-style: chr5-132595617-C-T. GRCh37 (hg19) VCF-style: chr5-131931309-C-T.
Other names: short protein forms Q672*.
Identifiers: ClinVar variation 484641 (VCV000484641.29), dbSNP rs142947311, ClinGen allele CA127252982.

ClinVar aggregate classification (germline): Pathogenic. Review status: criteria provided, multiple submitters, no conflicts (2 of 4 stars). 5 submissions from 5 submitters: Pathogenic (4). 1 of the submissions does not count toward it. Last evaluated 2024-10-01.

Conditions:
Breast carcinoma. Also called: Carcinoma of breast. Identifiers: MedGen C0678222, MONDO:0004989, HP:0003002.
Hereditary cancer-predisposing syndrome. Also called: Hereditary neoplastic syndrome; Tumor predisposition; Neoplastic Syndromes, Hereditary; Hereditary Cancer Syndrome. Identifiers: Orphanet 140162, MedGen C0027672, MeSH D009386, MONDO:0015356.
Nijmegen breakage syndrome-like disorder (NBSLD). Also called: MICROCEPHALY AND SPONTANEOUS CHROMOSOME INSTABILITY WITHOUT IMMUNODEFICIENCY; NBS-LIKE DISORDER; RAD50 DEFICIENCY. Identifiers: Orphanet 240760, MedGen C2751318, MONDO:0013118, OMIM 613078.

Allele frequency attached by ClinVar (database versions not stated): gnomAD exomes below 0.00001; TOPMed 0.00001; gnomAD 0.00002; ESP Exome Variant Server 0.00008.
gnomAD v4.1: 3 of 1,613,942 alleles (0.00019%); highest among the groups gnomAD compares: African/African-American, 0.004%; no homozygotes.

Submissions (5):

CeGaT Center for Human Genetics Tuebingen
Classification: Pathogenic. Last evaluated: 2024-10-01. Review status: criteria provided, single submitter. Criteria: CeGaT Center For Human Genetics Tuebingen Variant Classification Criteria Version 2. Collection method: clinical testing. Allele origin: germline. Affected: yes. Observed: 1 variant allele.
Comment: RAD50: PVS1, PM2, PS3:Supporting

Labcorp Genetics (formerly Invitae), Labcorp
Classification: Pathogenic for Hereditary cancer-predisposing syndrome. Last evaluated: 2021-12-07. Review status: criteria provided, single submitter. Criteria: Invitae Variant Classification Sherloc (09022015). Collection method: clinical testing. Allele origin: germline.
Comment: This variant is present in population databases (rs142947311, gnomAD 0.007%). This sequence change creates a premature translational stop signal (p.Gln672*) in the RAD50 gene. It is expected to result in an absent or disrupted protein product. Loss-of-function variants in RAD50 are known to be pathogenic (PMID: 19409520). For these reasons, this variant has been classified as Pathogenic. ClinVar contains an entry for this variant (Variation ID: 484641). This variant has not been reported in the literature in individuals affected with RAD50-related conditions.

Baylor Genetics
Classification: Pathogenic for Nijmegen breakage syndrome-like disorder. Last evaluated: 2021-11-12. Review status: criteria provided, single submitter. Criteria: ACMG Guidelines, 2015. Collection method: clinical testing. Allele origin: unknown.

Ambry Genetics
Classification: Pathogenic for Hereditary cancer-predisposing syndrome. Last evaluated: 2016-04-21. Review status: criteria provided, single submitter. Criteria: Ambry Variant Classification Scheme 2023. Collection method: clinical testing. Allele origin: germline.
Comment: The p.Q672* pathogenic mutation (also known as c.2014C>T), located in coding exon 13 of the RAD50 gene, results from a C to T substitution at nucleotide position 2014. This changes the amino acid from a glutamine to a stop codon within coding exon 13. Since premature stop codons are typically deleterious in nature, this alteration is interpreted as a disease-causing mutation (ACMG Recommendations for Standards for Interpretation and Reporting of Sequence Variations. Revision 2007. Genet Med. 2008;10:294).

Medical Genetics Laboratory, Umraniye Training and Research Hospital, University of Health Sciences
Classification: Pathogenic for Breast carcinoma. Last evaluated: 2021-08-10. Review status: no assertion criteria provided. Collection method: clinical testing. Allele origin: germline. Inheritance: Autosomal dominant inheritance. Affected: yes. Observed: 1 variant allele, 1 heterozygote. Not counted in ClinVar's aggregate classification.

Literature cited by the submitters: PubMed 19409520 (cited by Labcorp Genetics (formerly Invitae), Labcorp).